The following is an entry in ClinVar:

ClinVar aggregate classification (germline): Uncertain significance (1 of 4 stars; one submission).

Allele frequency attached by ClinVar (database versions not stated): gnomAD exomes below 0.00001.
gnomAD v4.1: 1 of 1,613,960 alleles (0.000062%); highest among the groups gnomAD compares: African/African-American, 0.0013%; no homozygotes.

Submission:

Labcorp Genetics (formerly Invitae), Labcorp
Classification: Uncertain significance. Last evaluated: 2023-12-03. Review status: criteria provided, single submitter. Criteria: Invitae Variant Classification Sherloc (09022015). Collection method: clinical testing. Allele origin: germline.
Comment: This sequence change replaces phenylalanine, which is neutral and non-polar, with leucine, which is neutral and non-polar, at codon 310 of the NR2E3 protein (p.Phe310Leu). This variant is not present in population databases (gnomAD no frequency). This missense change has been observed in individual(s) with Enhanced S-cone syndrome (PMID: 33970758). Advanced modeling of protein sequence and biophysical properties (such as structural, functional, and spatial information, amino acid conservation, physicochemical variation, residue mobility, and thermodynamic stability) performed at Invitae indicates that this missense variant is not expected to disrupt NR2E3 protein function with a negative predictive value of 80%. In summary, the available evidence is currently insufficient to determine the role of this variant in disease. Therefore, it has been classified as a Variant of Uncertain Significance.

Literature cited by the submitters: PubMed 33970758.

NM_014249.4(NR2E3):c.930C>G (p.Phe310Leu)

Gene: NR2E3 (nuclear receptor subfamily 2 group E member 3; plus strand). Cytogenetic location: 15q23.
Variant type: single nucleotide variant.
Coding change: c.930C>G on transcript NM_014249.4 (MANE Select); coding-DNA position 930, C replaced by G.
Protein change: p.Phe310Leu; replaces phenylalanine 310 with leucine.
Molecular consequence: missense variant.
Genome position (GRCh38, 1-based): chr15:71,813,571, C>G. VCF-style: chr15-71813571-C-G. GRCh37 (hg19) VCF-style: chr15-72105911-C-G.
Other names: c.930C>G, p.Phe310Leu (NM_016346.4); short protein forms F310L.
Identifiers: ClinVar variation 2864082 (VCV002864082.3), dbSNP rs2543256470, ClinGen allele CA393037535.